The following is an entry in ClinVar:

ClinVar aggregate classification (germline): Likely benign. Review status: criteria provided, multiple submitters, no conflicts (2 of 4 stars). 2 submissions from 2 submitters: Likely benign (2). Last evaluated 2025-06-01.

Allele frequency attached by ClinVar (database versions not stated): gnomAD exomes 0.00005 and 0.00014; ExAC 0.00014; 1000 Genomes Project 0.00020; 1000 Genomes Project 30x 0.00031; ESP Exome Variant Server 0.00033; gnomAD 0.00078 and 0.00079; TOPMed 0.00078.
gnomAD v4.1: 207 of 1,614,056 alleles (0.013%); highest among the groups gnomAD compares: African/African-American, 0.25%; no homozygotes.

Submissions (2):

CeGaT Center for Human Genetics Tuebingen
Classification: Likely benign. Last evaluated: 2025-06-01. Review status: criteria provided, single submitter. Criteria: CeGaT Center For Human Genetics Tuebingen Variant Classification Criteria Version 2. Collection method: clinical testing. Allele origin: germline. Affected: yes. Observed: 1 variant allele.
Comment: MAP1A: BP4, BP7

Labcorp Genetics (formerly Invitae), Labcorp
Classification: Likely benign. Last evaluated: 2018-04-04. Review status: criteria provided, single submitter. Criteria: Invitae Variant Classification Sherloc (09022015). Collection method: clinical testing. Allele origin: germline.

NM_002373.6(MAP1A):c.6456A>G (p.Ser2152=)

Gene: MAP1A (microtubule associated protein 1A; plus strand). Cytogenetic location: 15q15.3.
Variant type: single nucleotide variant.
Coding change: c.6456A>G on transcript NM_002373.6 (MANE Select); coding-DNA position 6456, A replaced by G.
Protein change: p.Ser2152=; no amino-acid change (serine 2152 retained).
Molecular consequence: synonymous variant.
Genome position (GRCh38, 1-based): chr15:43,527,929, A>G. VCF-style: chr15-43527929-A-G. GRCh37 (hg19) VCF-style: chr15-43820127-A-G.
Identifiers: ClinVar variation 747144 (VCV000747144.11), dbSNP rs201503662, ClinGen allele CA7526887.